The following is an entry in ClinVar:

NM_001127.4(AP1B1):c.1927G>A (p.Gly643Ser)

Gene: AP1B1 (adaptor related protein complex 1 subunit beta 1; minus strand). Cytogenetic location: 22q12.2.
Variant type: single nucleotide variant.
Coding change: c.1927G>A on transcript NM_001127.4 (MANE Select); coding-DNA position 1927, G replaced by A.
Protein change: p.Gly643Ser; replaces glycine 643 with serine.
Molecular consequence: missense variant.
Genome position (GRCh38, 1-based): chr22:29,340,727, C>T on the plus strand (G>A on the coding strand, the complement: AP1B1 is on the minus strand). VCF-style: chr22-29340727-C-T. GRCh37 (hg19) VCF-style: chr22-29736716-C-T.
Other names: c.1927G>A, p.Gly643Ser (NM_001166019.2, NM_001378562.1, NM_001378563.1 and 1 more transcripts); c.1756G>A, p.Gly586Ser (NM_001378564.1, NM_001378565.1); c.1741G>A, p.Gly581Ser (NM_001378566.1); short protein forms G581S, G586S, G643S.
Identifiers: ClinVar variation 3351508 (VCV003351508.1).

ClinVar aggregate classification (germline): Uncertain significance (0 of 4 stars; one submission).

Conditions:
AP1B1-related disorder. Also called: AP1B1-related condition.

gnomAD v4.1: 33 of 1,593,236 alleles (0.0021%); highest among the groups gnomAD compares: East Asian, 0.0045%; no homozygotes.

Submission:

PreventionGenetics, part of Exact Sciences
Classification: Uncertain significance for AP1B1-related condition. Last evaluated: 2024-09-12. Review status: no assertion criteria provided. Collection method: clinical testing. Allele origin: germline.
Comment: The AP1B1 c.1927G>A variant is predicted to result in the amino acid substitution p.Gly643Ser. To our knowledge, this variant has not been reported in the literature. This variant is reported in 0.0038% of alleles in individuals of South Asian descent in gnomAD. At this time, the clinical significance of this variant is uncertain due to the absence of conclusive functional and genetic evidence.